The following is an entry in ClinVar:

NM_000122.2(ERCC3):c.1203C>T (p.Ile401=)

Gene: ERCC3 (ERCC excision repair 3, TFIIH core complex helicase subunit; minus strand). Cytogenetic location: 2q14.3.
Variant type: single nucleotide variant.
Coding change: c.1203C>T on transcript NM_000122.2 (MANE Select); coding-DNA position 1203, C replaced by T.
Protein change: p.Ile401=; no amino-acid change (isoleucine 401 retained).
Molecular consequence: synonymous variant.
Genome position (GRCh38, 1-based): chr2:127,286,842, G>A on the plus strand (C>T on the coding strand, the complement: ERCC3 is on the minus strand). VCF-style: chr2-127286842-G-A. GRCh37 (hg19) VCF-style: chr2-128044418-G-A.
Other names: c.1011C>T, p.Ile337= (NM_001303416.2, NM_001303418.2).
Identifiers: ClinVar variation 2420588 (VCV002420588.31), dbSNP rs774188144, ClinGen allele CA1858335.
Genomic context (GRCh38, chr2:127,286,842, plus strand): 5'-CCAGGACCTTTTGGTGGTGTGGCCCAGCATGGAGTAGGTGCTAATGGCAACGGAGCAGCC[G>A]ATGGGCTTGTCCTTGGCATCGGAGGTGAACCGGCAGATCTGGCTGTCGTCAATGGTGGAC-3'
Protein context (NP_000113.1, residues 391-411): RFTSDAKDKP[Ile401=]GCSVAISTYS

ClinVar aggregate classification (germline): Likely benign. Review status: criteria provided, multiple submitters, no conflicts (2 of 4 stars). 2 submissions from 2 submitters: Likely benign (2). Last evaluated 2025-12-06.

Allele frequency attached by ClinVar (database versions not stated): ExAC 0.00001.

Submissions (2):

Labcorp Genetics (formerly Invitae), Labcorp
Classification: Likely benign. Last evaluated: 2025-12-06. Review status: criteria provided, single submitter. Criteria: Invitae Variant Classification Sherloc (09022015). Collection method: clinical testing. Allele origin: germline.

CeGaT Center for Human Genetics Tuebingen
Classification: Likely benign. Last evaluated: 2023-07-01. Review status: criteria provided, single submitter. Criteria: CeGaT Center For Human Genetics Tuebingen Variant Classification Criteria Version 2. Collection method: clinical testing. Allele origin: germline. Affected: yes. Observed: 1 variant allele.
Comment: ERCC3: BP4, BP7